The following is an entry in ClinVar:

ClinVar aggregate classification (germline): Uncertain significance. Review status: criteria provided, single submitter (1 of 4 stars). 2 submissions from 2 submitters: Uncertain significance (1). 1 of the submissions does not count toward it. Last evaluated 2022-02-24.

Conditions:
PCNT-related disorder. Also called: PCNT-related condition.

Allele frequency attached by ClinVar (database versions not stated): gnomAD exomes 0.00003 and 0.00005; ExAC 0.00004; gnomAD 0.00004; TOPMed 0.00004.
gnomAD v4.1: 78 of 1,614,084 alleles (0.0048%); highest among the groups gnomAD compares: Non-Finnish European, 0.0065%; no homozygotes.

Submissions (2):

Labcorp Genetics (formerly Invitae), Labcorp
Classification: Uncertain significance. Last evaluated: 2022-02-24. Review status: criteria provided, single submitter. Criteria: Invitae Variant Classification Sherloc (09022015). Collection method: clinical testing. Allele origin: germline.
Comment: This sequence change replaces arginine, which is basic and polar, with glutamine, which is neutral and polar, at codon 761 of the PCNT protein (p.Arg761Gln). This variant is present in population databases (rs538499651, gnomAD 0.007%). This variant has not been reported in the literature in individuals affected with PCNT-related conditions. Algorithms developed to predict the effect of missense changes on protein structure and function output the following: SIFT: "Tolerated"; PolyPhen-2: "Benign"; Align-GVGD: "Class C0". The glutamine amino acid residue is found in multiple mammalian species, which suggests that this missense change does not adversely affect protein function. In summary, the available evidence is currently insufficient to determine the role of this variant in disease. Therefore, it has been classified as a Variant of Uncertain Significance.

PreventionGenetics, part of Exact Sciences
Classification: Uncertain significance for PCNT-related condition. Last evaluated: 2024-07-05. Review status: no assertion criteria provided. Collection method: clinical testing. Allele origin: germline. Not counted in ClinVar's aggregate classification.
Comment: The PCNT c.2282G>A variant is predicted to result in the amino acid substitution p.Arg761Gln. To our knowledge, this variant has not been reported in the literature. This variant is reported in 0.0062% of alleles in individuals of European (Non-Finnish) descent in gnomAD. At this time, the clinical significance of this variant is uncertain due to the absence of conclusive functional and genetic evidence.

NM_006031.6(PCNT):c.2282G>A (p.Arg761Gln)

Gene: PCNT (pericentrin; plus strand). Cytogenetic location: 21q22.3.
Variant type: single nucleotide variant.
Coding change: c.2282G>A on transcript NM_006031.6 (MANE Select); coding-DNA position 2282, G replaced by A.
Protein change: p.Arg761Gln; replaces arginine 761 with glutamine.
Molecular consequence: missense variant.
Genome position (GRCh38, 1-based): chr21:46,363,607, G>A. VCF-style: chr21-46363607-G-A. GRCh37 (hg19) VCF-style: chr21-47783522-G-A.
Other names: c.1928G>A, p.Arg643Gln (NM_001315529.2); c.2282G>A (NM_006031.5); short protein forms R643Q, R761Q.
Identifiers: ClinVar variation 1443390 (VCV001443390.4), dbSNP rs538499651, ClinGen allele CA10078941.